The following is an entry in ClinVar:

ClinVar aggregate classification (germline): Pathogenic. Review status: reviewed by expert panel (3 of 4 stars). 2 submissions from 2 submitters: Pathogenic (1). 1 of the submissions does not count toward it. Last evaluated 2016-09-08.

Conditions:
Hereditary breast ovarian cancer syndrome. Also called: Hereditary breast and ovarian cancer; Breast and ovarian cancer; Hereditary breast and/or ovarian cancer syndrome; BRCA1- and BRCA2-Associated Hereditary Breast and Ovarian Cancer; Hereditary breast and ovarian cancer syndrome; Hereditary breast and ovarian cancer syndrome (HBOC). Identifiers: Orphanet 145, MedGen C0677776, MeSH D061325, MONDO:0003582. Disease mechanism: loss of function.
Breast-ovarian cancer, familial, susceptibility to, 2 (BROVCA2). Also called: BRCA2 Hereditary Breast and Ovarian Cancer. Identifiers: Orphanet 145, MedGen C2675520, MONDO:0012933, OMIM 612555. Disease mechanism: loss of function.

Submissions (2):

Evidence-based Network for the Interpretation of Germline Mutant Alleles (ENIGMA)
Classification: Pathogenic for Breast-ovarian cancer, familial, susceptibility to, 2. Last evaluated: 2016-09-08. Review status: reviewed by expert panel. Criteria: ENIGMA BRCA1/2 Classification Criteria (2015). Collection method: curation. Allele origin: germline.
Comment: Variant allele predicted to encode a truncated non-functional protein.

Labcorp Genetics (formerly Invitae), Labcorp
Classification: Pathogenic for Hereditary breast ovarian cancer syndrome. Last evaluated: 2025-07-29. Review status: criteria provided, single submitter. Criteria: Invitae Variant Classification Sherloc (09022015). Collection method: clinical testing. Allele origin: germline. Not counted in ClinVar's aggregate classification.
Comment: This sequence change creates a premature translational stop signal (p.Glu1646*) in the BRCA2 gene. It is expected to result in an absent or disrupted protein product. Loss-of-function variants in BRCA2 are known to be pathogenic (PMID: 20104584). This variant is not present in population databases (gnomAD no frequency). This premature translational stop signal has been observed in individual(s) with breast cancer (PMID: 34218100). ClinVar contains an entry for this variant (Variation ID: 254543). For these reasons, this variant has been classified as Pathogenic.

Literature cited by the submitters: PubMed 20104584 (cited by Labcorp Genetics (formerly Invitae), Labcorp); PubMed 34218100 (cited by Labcorp Genetics (formerly Invitae), Labcorp).

NM_000059.4(BRCA2):c.4936G>T (p.Glu1646Ter)

Gene: BRCA2 (BRCA2 DNA repair associated; plus strand). Cytogenetic location: 13q13.1.
Variant type: single nucleotide variant.
Coding change: c.4936G>T on transcript NM_000059.4 (MANE Select); coding-DNA position 4936, G replaced by T.
Protein change: p.Glu1646Ter; replaces glutamic acid 1646 with a stop codon.
Molecular consequence: nonsense.
Genome position (GRCh38, 1-based): chr13:32,339,291, G>T. VCF-style: chr13-32339291-G-T. GRCh37 (hg19) VCF-style: chr13-32913428-G-T.
Other names: short protein forms E1646*.
Identifiers: ClinVar variation 254543 (VCV000254543.3), dbSNP rs886038111, ClinGen allele CA10586529.